The following is an entry in ClinVar:

ClinVar aggregate classification (germline): Uncertain significance (1 of 4 stars; one submission).

gnomAD v4.1: 3 of 1,605,786 alleles (0.00019%); highest among the groups gnomAD compares: Non-Finnish European, 0.00025%; no homozygotes.

Submission:

GeneDx
Classification: Uncertain significance. Last evaluated: 2023-03-24. Review status: criteria provided, single submitter. Criteria: GeneDx Variant Classification Process June 2021. Collection method: clinical testing. Allele origin: germline. Affected: yes.
Comment: Not observed at significant frequency in large population cohorts (gnomAD); In silico analysis supports that this missense variant has a deleterious effect on protein structure/function; Has not been previously published as pathogenic or benign to our knowledge

NM_001145809.2(MYH14):c.3584C>A (p.Ala1195Glu)

Gene: MYH14 (myosin heavy chain 14; plus strand). Cytogenetic location: 19q13.33.
Variant type: single nucleotide variant.
Coding change: c.3584C>A on transcript NM_001145809.2 (MANE Select); coding-DNA position 3584, C replaced by A.
Protein change: p.Ala1195Glu; replaces alanine 1195 with glutamic acid.
Molecular consequence: missense variant.
Genome position (GRCh38, 1-based): chr19:50,276,107, C>A. VCF-style: chr19-50276107-C-A. GRCh37 (hg19) VCF-style: chr19-50779364-C-A.
Other names: c.3485C>A, p.Ala1162Glu (NM_001077186.2); c.3461C>A, p.Ala1154Glu (NM_024729.4); short protein forms A1154E, A1162E, A1195E.
Identifiers: ClinVar variation 2580405 (VCV002580405.1), dbSNP rs910420638, ClinGen allele CA406954271.
Genomic context (GRCh38, chr19:50,276,107, plus strand): 5'-AAGCAGCCCTGGCCGAGGCCCAGGAGGACCTGGAGTCTGAGCGTGTGGCCAGGACCAAGG[C>A]GGAGAAGCAGCGCCGGGACCTGGGCGAGGAGCTGGAGGCGCTGCGGGGCGAGCTGGAGGA-3'
Protein context (NP_001139281.1, residues 1185-1205): LESERVARTK[Ala1195Glu]EKQRRDLGEE